The following is an entry in ClinVar:

ClinVar aggregate classification (germline): Uncertain significance. Review status: criteria provided, multiple submitters, no conflicts (2 of 4 stars). 2 submissions from 2 submitters: Uncertain significance (2). Last evaluated 2023-01-11.

Conditions:
TTN-related disorder. Also called: TTN-related disorders; TTN-related condition; TTN-related disease.

Submissions (2):

PreventionGenetics, part of Exact Sciences
Classification: Uncertain significance for TTN-related condition. Last evaluated: 2023-01-11. Review status: criteria provided, single submitter. Criteria: ACMG Guidelines, 2015. Collection method: clinical testing. Allele origin: germline.
Comment: The TTN c.1499C>T variant is predicted to result in the amino acid substitution p.Thr500Ile. To our knowledge, this variant has not been reported in the literature or in a large population database, indicating this variant is rare. At this time, the clinical significance of this variant is uncertain due to the absence of conclusive functional and genetic evidence.

Laboratory for Molecular Medicine, Mass General Brigham Personalized Medicine
Classification: Uncertain significance. Last evaluated: 2014-04-10. Review status: criteria provided, single submitter. Criteria: LMM Criteria. Collection method: clinical testing. Allele origin: germline. Observed: 1 variant allele.
Comment: Variant classified as Uncertain Significance - Favor Benign. The Thr500Ile varia nt in TTN has not been previously reported in individuals with cardiomyopathy or in large population studies. Threonine (Thr) at position 500 is not conserved i n mammals or evolutionarily distant species and rat carries an isoleucine (Ile), supporting that this change may be tolerated. Additional computational predicti on tools suggest that the Thr500Ile variant may not impact the protein, though t his information is not predictive enough to rule out pathogenicity. In summary, although these data support that the Thr500Ile variant may be benign, additional studies are needed to fully assess its clinical significance.

NM_001267550.2(TTN):c.1499C>T (p.Thr500Ile)

Gene: TTN (titin; minus strand). Cytogenetic location: 2q31.2.
Variant type: single nucleotide variant.
Coding change: c.1499C>T on transcript NM_001267550.2 (MANE Select); coding-DNA position 1499, C replaced by T.
Protein change: p.Thr500Ile; replaces threonine 500 with isoleucine.
Molecular consequence: missense variant.
Genome position (GRCh38, 1-based): chr2:178,793,441, G>A on the plus strand (C>T on the coding strand, the complement: TTN is on the minus strand). VCF-style: chr2-178793441-G-A. GRCh37 (hg19) VCF-style: chr2-179658168-G-A.
Other names: c.1499C>T, p.Thr500Ile (NM_001256850.1, NM_003319.4, NM_133379.5 and 3 more transcripts); short protein forms T500I.
Identifiers: ClinVar variation 166347 (VCV000166347.6), dbSNP rs727503704, ClinGen allele CA179407.
Genomic context (GRCh38, chr2:178,793,441, plus strand): 5'-TTAAAATACAAACCCATTTTCACCTGCTCATGAGTTACGTGCATCTGCTCTTGCTTTGTG[G>A]TAATTACTTCTTTGGTTCTTGATTTTAATTCTTGTTCCTTGGCTTTATCGGCGGCCACTA-3'
Protein context (NP_001254479.2, residues 490-510): ELKSRTKEVI[Thr500Ile]TKQEQMHVTH